The following is an entry in ClinVar:

ClinVar aggregate classification (germline): Pathogenic (1 of 4 stars; one submission).

Conditions:
Familial focal epilepsy with variable foci (FPEVF). Identifiers: Orphanet 98820, MedGen C1858477, MONDO:0020310.

Submission:

Labcorp Genetics (formerly Invitae), Labcorp
Classification: Pathogenic for Familial focal epilepsy with variable foci. Last evaluated: 2024-02-26. Review status: criteria provided, single submitter. Criteria: Invitae Variant Classification Sherloc (09022015). Collection method: clinical testing. Allele origin: germline.
Comment: This sequence change creates a premature translational stop signal (p.Ser241*) in the DEPDC5 gene. It is expected to result in an absent or disrupted protein product. Loss-of-function variants in DEPDC5 are known to be pathogenic (PMID: 23542697, 23542701). This variant is not present in population databases (gnomAD no frequency). This variant has not been reported in the literature in individuals affected with DEPDC5-related conditions. ClinVar contains an entry for this variant (Variation ID: 2094683). For these reasons, this variant has been classified as Pathogenic.

Literature cited by the submitters: PubMed 23542697; PubMed 23542701.

NM_001242896.3(DEPDC5):c.722C>G (p.Ser241Ter)

Gene: DEPDC5 (DEP domain containing 5, GATOR1 subcomplex subunit; plus strand). Cytogenetic location: 22q12.2.
Variant type: single nucleotide variant.
Coding change: c.722C>G on transcript NM_001242896.3 (MANE Select); coding-DNA position 722, C replaced by G.
Protein change: p.Ser241Ter; replaces serine 241 with a stop codon.
Molecular consequence: nonsense. On other transcripts: non-coding transcript variant (5).
Genome position (GRCh38, 1-based): chr22:31,792,772, C>G. VCF-style: chr22-31792772-C-G. GRCh37 (hg19) VCF-style: chr22-32188758-C-G.
Other names: c.722C>G, p.Ser241Ter (NM_001007188.4, NM_001136029.4, NM_001242897.2 and 7 more transcripts); c.638C>G, p.Ser213Ter (NM_001369901.1, NM_001369902.1); short protein forms S241*, S213*.
Identifiers: ClinVar variation 2094683 (VCV002094683.4), dbSNP rs1397187284, ClinGen allele CA411289036.
Genomic context (GRCh38, chr22:31,792,772, plus strand): 5'-CCTGAACTACATACTCCGTTTTCTCTATTTCAGATGAATTTCCTGAAATAAACCGAGCCT[C>G]AATTCGACAGGATCACAAGGGGAGATTCTATGAAGACTTTTACAAGTATGTTTGGGTGCT-3'